The following is an entry in ClinVar:

ClinVar aggregate classification (germline): Conflicting classifications of pathogenicity. Review status: criteria provided, conflicting classifications (1 of 4 stars). 5 submissions from 5 submitters: Uncertain significance (2); Likely benign (2). 1 of the submissions does not count toward it. Last evaluated 2026-01-28.

Conditions:
PCLO-related disorder. Also called: PCLO-related condition.
Inborn genetic diseases. Identifiers: MedGen C0950123, MeSH D030342.
Pontocerebellar hypoplasia type 3 (PCH3). Also called: CEREBELLAR ATROPHY WITH PROGRESSIVE MICROCEPHALY; PCH WITH OPTIC ATROPHY. Identifiers: Orphanet 97249, MedGen C1842687, MONDO:0011948, OMIM 608027.

Allele frequency attached by ClinVar (database versions not stated): gnomAD exomes 0.00012 and 0.00030; ExAC 0.00033; 1000 Genomes Project 0.00080; ESP Exome Variant Server 0.00092; 1000 Genomes Project 30x 0.00109; TOPMed 0.00119; gnomAD 0.00123 and 0.00133.
gnomAD v4.1: 372 of 1,613,868 alleles (0.023%); highest among the groups gnomAD compares: African/African-American, 0.41%; no homozygotes.

Submissions (5):

Labcorp Genetics (formerly Invitae), Labcorp
Classification: Likely benign. Last evaluated: 2026-01-28. Review status: criteria provided, single submitter. Criteria: Invitae Variant Classification Sherloc (09022015). Collection method: clinical testing. Allele origin: germline.

Ambry Genetics
Classification: Likely benign for Inborn genetic diseases. Last evaluated: 2025-06-03. Review status: criteria provided, single submitter. Criteria: Ambry Variant Classification Scheme 2023. Collection method: clinical testing. Allele origin: germline.

CeGaT Center for Human Genetics Tuebingen
Classification: Uncertain significance. Last evaluated: 2025-04-01. Review status: criteria provided, single submitter. Criteria: CeGaT Center For Human Genetics Tuebingen Variant Classification Criteria Version 2. Collection method: clinical testing. Allele origin: germline. Affected: yes. Observed: 1 variant allele.
Comment: PCLO: PM2, BP4

Baylor Genetics
Classification: Uncertain significance for Pontocerebellar hypoplasia type 3. Last evaluated: 2020-05-05. Review status: criteria provided, single submitter. Criteria: ACMG Guidelines, 2015. Collection method: clinical testing. Allele origin: unknown. Affected: yes.
Comment: This variant was determined to be of uncertain significance according to ACMG Guidelines, 2015 [PMID:25741868].

PreventionGenetics, part of Exact Sciences
Classification: Likely benign for PCLO-related condition. Last evaluated: 2022-04-17. Review status: no assertion criteria provided. Collection method: clinical testing. Allele origin: germline. Not counted in ClinVar's aggregate classification.
Comment: This variant is classified as likely benign based on ACMG/AMP sequence variant interpretation guidelines (Richards et al. 2015 PMID: 25741868, with internal and published modifications).

NM_033026.6(PCLO):c.8069G>A (p.Gly2690Asp)

Gene: PCLO (piccolo presynaptic cytomatrix protein; minus strand). Cytogenetic location: 7q21.11.
Variant type: single nucleotide variant.
Coding change: c.8069G>A on transcript NM_033026.6 (MANE Select); coding-DNA position 8069, G replaced by A.
Protein change: p.Gly2690Asp; replaces glycine 2690 with aspartic acid.
Molecular consequence: missense variant.
Genome position (GRCh38, 1-based): chr7:82,952,884, C>T on the plus strand (G>A on the coding strand, the complement: PCLO is on the minus strand). VCF-style: chr7-82952884-C-T. GRCh37 (hg19) VCF-style: chr7-82582200-C-T.
Other names: c.8069G>A, p.Gly2690Asp (NM_014510.3); short protein forms G2690D.
Identifiers: ClinVar variation 1029004 (VCV001029004.19), dbSNP rs184748520, ClinGen allele CA4320188.